The following is an entry in ClinVar:

NM_001127392.3(MYRF):c.-1C>A

Genes: MYRF (myelin regulatory factor; plus strand), LOC130005806 (ATAC-STARR-seq lymphoblastoid silent region 3398; plus strand). Cytogenetic location: 11q12.2.
Variant type: single nucleotide variant.
Coding change: c.-1C>A on transcript NM_001127392.3 (MANE Select); 1 bases upstream of the start codon, C replaced by A.
Molecular consequence: 5 prime UTR variant.
Genome position (GRCh38, 1-based): chr11:61,752,744, C>A. VCF-style: chr11-61752744-C-A. GRCh37 (hg19) VCF-style: chr11-61520216-C-A.
Identifiers: ClinVar variation 3899005 (VCV003899005.1).

ClinVar aggregate classification (germline): Uncertain significance (1 of 4 stars; one submission).

Submission:

GeneDx
Classification: Uncertain significance. Last evaluated: 2024-11-08. Review status: criteria provided, single submitter. Criteria: GeneDx Variant Classification Process June 2021. Collection method: clinical testing. Allele origin: germline. Affected: yes.
Comment: Not observed at significant frequency in large population cohorts (gnomAD); Alters the Kozak sequence, which plays a major role in the initiation of translation; Has not been previously published as pathogenic or benign to our knowledge